The following is an entry in ClinVar:

NM_001365999.1(SZT2):c.9886G>A (p.Gly3296Arg)

Genes: SZT2 (SZT2 subunit of KICSTOR complex; plus strand), SZT2-AS1 (SZT2 antisense RNA 1; minus strand). Cytogenetic location: 1p34.2.
Variant type: single nucleotide variant.
Coding change: c.9886G>A on transcript NM_001365999.1 (MANE Select); coding-DNA position 9886, G replaced by A.
Protein change: p.Gly3296Arg; replaces glycine 3296 with arginine.
Molecular consequence: missense variant. On other transcripts: non-coding transcript variant (1).
Genome position (GRCh38, 1-based): chr1:43,448,401, G>A. VCF-style: chr1-43448401-G-A. GRCh37 (hg19) VCF-style: chr1-43914072-G-A.
Other names: c.9715G>A, p.Gly3239Arg (NM_015284.4); short protein forms G3239R, G3296R.
Identifiers: ClinVar variation 1016766 (VCV001016766.6), dbSNP rs768050764, ClinGen allele CA811029.
Genomic context (GRCh38, chr1:43,448,401, plus strand): 5'-GACACCCTTTGGAAGCGCCTCTTCTTGCTGGAGCCACCGGGGCCTGATCGACTGCGGCTA[G>A]GGGGGCGCCTGGCCCTGGCAGAGCTGGAGGAACTCCTAGAAGCAGTCCATGCCAAATCCA-3'
Protein context (NP_001352928.1, residues 3286-3306): EPPGPDRLRL[Gly3296Arg]GRLALAELEE

ClinVar aggregate classification (germline): Uncertain significance (1 of 4 stars; one submission).

Allele frequency attached by ClinVar (database versions not stated): gnomAD 0.00001; TOPMed 0.00002; ExAC 0.00034.
gnomAD v4.1: 7 of 1,578,710 alleles (0.00044%); highest among the groups gnomAD compares: African/African-American, 0.0027%; no homozygotes.

Submission:

Labcorp Genetics (formerly Invitae), Labcorp
Classification: Uncertain significance. Last evaluated: 2022-03-19. Review status: criteria provided, single submitter. Criteria: Invitae Variant Classification Sherloc (09022015). Collection method: clinical testing. Allele origin: germline.
Comment: This sequence change replaces glycine, which is neutral and non-polar, with arginine, which is basic and polar, at codon 3239 of the SZT2 protein (p.Gly3239Arg). The frequency data for this variant in the population databases is considered unreliable, as metrics indicate poor data quality at this position in the gnomAD database. This variant has not been reported in the literature in individuals affected with SZT2-related conditions. ClinVar contains an entry for this variant (Variation ID: 1016766). Algorithms developed to predict the effect of missense changes on protein structure and function are either unavailable or do not agree on the potential impact of this missense change (SIFT: "Tolerated"; PolyPhen-2: "Probably Damaging"; Align-GVGD: "Class C0"). In summary, the available evidence is currently insufficient to determine the role of this variant in disease. Therefore, it has been classified as a Variant of Uncertain Significance.